The following is an entry in ClinVar:

NM_015629.4(PRPF31):c.1410G>T (p.Lys470Asn)

Gene: PRPF31 (pre-mRNA processing factor 31; plus strand). Cytogenetic location: 19q13.42.
Variant type: single nucleotide variant.
Coding change: c.1410G>T on transcript NM_015629.4 (MANE Select); coding-DNA position 1410, G replaced by T.
Protein change: p.Lys470Asn; replaces lysine 470 with asparagine.
Molecular consequence: missense variant.
Genome position (GRCh38, 1-based): chr19:54,131,342, G>T. VCF-style: chr19-54131342-G-T. GRCh37 (hg19) VCF-style: chr19-54634773-G-T.
Other names: short protein forms K470N.
Identifiers: ClinVar variation 1503650 (VCV001503650.8), dbSNP rs1600368220, ClinGen allele CA407756681.

ClinVar aggregate classification (germline): Uncertain significance (1 of 4 stars; one submission).

Submission:

Labcorp Genetics (formerly Invitae), Labcorp
Classification: Uncertain significance. Last evaluated: 2022-02-04. Review status: criteria provided, single submitter. Criteria: Invitae Variant Classification Sherloc (09022015). Collection method: clinical testing. Allele origin: germline.
Comment: Algorithms developed to predict the effect of missense changes on protein structure and function are either unavailable or do not agree on the potential impact of this missense change (SIFT: "Tolerated"; PolyPhen-2: "Possibly Damaging"; Align-GVGD: "Class C0"). This variant has not been reported in the literature in individuals affected with PRPF31-related conditions. This variant is not present in population databases (gnomAD no frequency). This sequence change replaces lysine, which is basic and polar, with asparagine, which is neutral and polar, at codon 470 of the PRPF31 protein (p.Lys470Asn). In summary, the available evidence is currently insufficient to determine the role of this variant in disease. Therefore, it has been classified as a Variant of Uncertain Significance.